The following is an entry in ClinVar:

ClinVar aggregate classification (germline): Likely pathogenic (1 of 4 stars; one submission).

Submission:

Dasa
Classification: Likely pathogenic. Last evaluated: 2025-01-28. Review status: criteria provided, single submitter. Criteria: DASA Assertion Criteria. Collection method: clinical testing. Allele origin: germline.
Comment: NM_000312.4(PROC):c.1183C>T (p.Gln395*) is a nonsense variant in PROC predicted to introduce a premature termination codon and is predicted to result in an absent or altered protein product. Loss of function is an established disease mechanism for PROC-associated disorders. Also, this variant is absent from population databases. Based on the currently available evidence, this variant is classified as likely pathogenic.

NM_000312.4(PROC):c.1183C>T (p.Gln395Ter)

Gene: PROC (protein C, inactivator of coagulation factors Va and VIIIa; plus strand). Cytogenetic location: 2q14.3.
Variant type: single nucleotide variant.
Coding change: c.1183C>T on transcript NM_000312.4 (MANE Select); coding-DNA position 1183, C replaced by T.
Protein change: p.Gln395Ter; replaces glutamine 395 with a stop codon.
Molecular consequence: nonsense.
Genome position (GRCh38, 1-based): chr2:127,428,743, C>T. VCF-style: chr2-127428743-C-T. GRCh37 (hg19) VCF-style: chr2-128186319-C-T.
Other names: c.1366C>T, p.Gln456Ter (NM_001375602.1); c.1348C>T, p.Gln450Ter (NM_001375603.1); c.1246C>T, p.Gln416Ter (NM_001375604.1); c.1285C>T, p.Gln429Ter (NM_001375605.1); c.1351C>T, p.Gln451Ter (NM_001375606.1); c.1369C>T, p.Gln457Ter (NM_001375607.1); c.1126C>T, p.Gln376Ter (NM_001375608.1); c.1159C>T, p.Gln387Ter (NM_001375609.1); and 2 more; short protein forms Q376*, Q387*, Q393*, Q395*, Q416*, Q429*, Q450*, Q451*.
Identifiers: ClinVar variation 4882008 (VCV004882008.2).